The following is an entry in ClinVar:

ClinVar aggregate classification (germline): Uncertain significance (1 of 4 stars; one submission).

Conditions:
Early Myoclonic Encephalopathy. Identifiers: MedGen C0270855.

Allele frequency attached by ClinVar (database versions not stated): gnomAD exomes below 0.00001; TOPMed 0.00001; gnomAD 0.00001.
gnomAD v4.1: 4 of 1,602,968 alleles (0.00025%); highest among the groups gnomAD compares: African/African-American, 0.004%; no homozygotes.

Submission:

Labcorp Genetics (formerly Invitae), Labcorp
Classification: Uncertain significance for Early Myoclonic Encephalopathy. Last evaluated: 2023-01-12. Review status: criteria provided, single submitter. Criteria: Invitae Variant Classification Sherloc (09022015). Collection method: clinical testing. Allele origin: germline.
Comment: In summary, the available evidence is currently insufficient to determine the role of this variant in disease. Therefore, it has been classified as a Variant of Uncertain Significance. Advanced modeling of protein sequence and biophysical properties (such as structural, functional, and spatial information, amino acid conservation, physicochemical variation, residue mobility, and thermodynamic stability) performed at Invitae indicates that this missense variant is not expected to disrupt JMJD1C protein function. ClinVar contains an entry for this variant (Variation ID: 1039430). This variant has not been reported in the literature in individuals affected with JMJD1C-related conditions. This variant is not present in population databases (gnomAD no frequency). This sequence change replaces asparagine, which is neutral and polar, with serine, which is neutral and polar, at codon 1945 of the JMJD1C protein (p.Asn1945Ser).

NM_032776.3(JMJD1C):c.5834A>G (p.Asn1945Ser)

Gene: JMJD1C (jumonji domain containing 1C; minus strand). Cytogenetic location: 10q21.3.
Variant type: single nucleotide variant.
Coding change: c.5834A>G on transcript NM_032776.3 (MANE Select); coding-DNA position 5834, A replaced by G.
Protein change: p.Asn1945Ser; replaces asparagine 1945 with serine.
Molecular consequence: missense variant. On other transcripts: non-coding transcript variant (1).
Genome position (GRCh38, 1-based): chr10:63,193,373, T>C on the plus strand (A>G on the coding strand, the complement: JMJD1C is on the minus strand). VCF-style: chr10-63193373-T-C. GRCh37 (hg19) VCF-style: chr10-64953133-T-C.
Other names: c.5288A>G, p.Asn1763Ser (NM_001282948.2, NM_001318154.2); c.4970A>G, p.Asn1657Ser (NM_001318153.2); c.5720A>G, p.Asn1907Ser (NM_001322252.2); c.5177A>G, p.Asn1726Ser (NM_001322254.2, NM_001322258.2); short protein forms N1726S, N1657S, N1945S, N1763S, N1907S.
Identifiers: ClinVar variation 1039430 (VCV001039430.8), dbSNP rs1049222747, ClinGen allele CA208361430.